The following is an entry in ClinVar:

NM_001079843.3(CASZ1):c.3672T>C (p.Ser1224=)

Gene: CASZ1 (castor zinc finger 1; minus strand). Cytogenetic location: 1p36.22.
Variant type: single nucleotide variant.
Coding change: c.3672T>C on transcript NM_001079843.3 (MANE Select); coding-DNA position 3672, T replaced by C.
Protein change: p.Ser1224=; no amino-acid change (serine 1224 retained).
Molecular consequence: synonymous variant.
Genome position (GRCh38, 1-based): chr1:10,646,152, A>G on the plus strand (T>C on the coding strand, the complement: CASZ1 is on the minus strand). VCF-style: chr1-10646152-A-G. GRCh37 (hg19) VCF-style: chr1-10706209-A-G.
Identifiers: ClinVar variation 2064086 (VCV002064086.28), dbSNP rs200062080, ClinGen allele CA584452.
Genomic context (GRCh38, chr1:10,646,152, plus strand): 5'-CTACTCTGCCCCTGCGCCGTGTACCGCCATGCTGACCTGGTTGGGACAGAGACACTGCAG[A>G]GAGTAGTATGCAAACTGGTCTCGCACGTTCACCAGGTTGTTGTTGGGGTTGATGTGGTCC-3'
Protein context (NP_001073312.1, residues 1214-1234): VNVRDQFAYY[Ser1224=]LQCLCPNQHC

ClinVar aggregate classification (germline): Benign/Likely benign. Review status: criteria provided, multiple submitters, no conflicts (2 of 4 stars). 2 submissions from 2 submitters: Benign (1); Likely benign (1). Last evaluated 2025-04-04.

Allele frequency attached by ClinVar (database versions not stated): TOPMed 0.00010; 1000 Genomes Project 30x 0.00016; 1000 Genomes Project 0.00020; gnomAD exomes 0.00049; gnomAD 0.00096; ExAC 0.00109.
gnomAD v4.1: 902 of 1,614,046 alleles (0.056%); highest among the groups gnomAD compares: Non-Finnish European, 0.017%; 9 homozygotes.

Submissions (2):

Labcorp Genetics (formerly Invitae), Labcorp
Classification: Benign. Last evaluated: 2025-04-04. Review status: criteria provided, single submitter. Criteria: Invitae Variant Classification Sherloc (09022015). Collection method: clinical testing. Allele origin: germline.

CeGaT Center for Human Genetics Tuebingen
Classification: Likely benign. Last evaluated: 2022-06-01. Review status: criteria provided, single submitter. Criteria: CeGaT Center For Human Genetics Tuebingen Variant Classification Criteria Version 2. Collection method: clinical testing. Allele origin: germline. Affected: yes. Observed: 1 variant allele.
Comment: CASZ1: BP4, BP7